The following is an entry in ClinVar:

NM_138694.4(PKHD1):c.7391_7394delinsAAT (p.Arg2464fs)

Gene: PKHD1 (PKHD1 ciliary IPT domain containing fibrocystin/polyductin; minus strand). Cytogenetic location: 6p12.2.
Variant type: Indel.
Coding change: c.7391_7394delinsAAT on transcript NM_138694.4 (MANE Select); coding-DNA positions 7391 to 7394, GATG replaced by AAT.
Protein change: p.Arg2464fs; shifts the reading frame from arginine 2464.
Molecular consequence: frameshift variant.
Genome position (GRCh38, 1-based): chr6:51,870,596-51,870,599, CATC replaced by ATT on the plus strand (GATG replaced by AAT on the coding strand, the reverse complement: PKHD1 is on the minus strand). VCF-style: chr6-51870596-CATC-ATT. GRCh37 (hg19) VCF-style: chr6-51735394-CATC-ATT.
Other names: c.7391_7394delinsAAT, p.Arg2464fs (NM_170724.3); short protein forms R2464fs.
Identifiers: ClinVar variation 5015521 (VCV005015521.1).
Genomic context (GRCh38, chr6:51,870,596, plus strand): 5'-ATGGCCACACAGTTGATGAGATCAAAATTAACAAAGGTTGTGTTAGACACCATCAGTTCC[CATC>ATT]TTTTAGGAGTTTTAATCCCAGATGACATACACAGACTTCCCTGTGATTTAAAAGAAAAAA-3'

ClinVar aggregate classification (germline): Pathogenic (1 of 4 stars; one submission).

Conditions:
Polycystic kidney disease 4 (PKD4). Also called: PKD3; Autosomal Recessive Polycystic Kidney Disease – PKHD1; POLYCYSTIC KIDNEY AND HEPATIC DISEASE 1; POLYCYSTIC KIDNEY DISEASE, INFANTILE, TYPE I; POLYCYSTIC KIDNEY DISEASE 4 WITH OR WITHOUT POLYCYSTIC LIVER DISEASE. Identifiers: MedGen C4540575, MONDO:0033004, OMIM 263200.

Submission:

Myriad Genetics, Inc.
Classification: Pathogenic for Polycystic kidney disease 4. Last evaluated: 2026-02-07. Review status: criteria provided, single submitter. Criteria: Myriad Autosomal Dominant, Autosomal Recessive and X-Linked Classification Criteria (2023). Collection method: clinical testing. Allele origin: unknown.
Comment: NM_138694.3(PKHD1):c.7391_7394delGATGinsAAT(R2464Kfs*4) is expected to be pathogenic in the context of autosomal recessive polycystic kidney disease, PKHD1-related. This variant is predicted to lead to an abnormal or absent protein product due to the creation of a premature termination codon in PKHD1, a gene where loss-of-function variants are known to be pathogenic. Please note: this variant was assessed in the context of healthy population screening.